The following is an entry in ClinVar:

NM_024675.4(PALB2):c.1313A>T (p.Lys438Ile)

Gene: PALB2 (partner and localizer of BRCA2; minus strand). Cytogenetic location: 16p12.2.
Variant type: single nucleotide variant.
Coding change: c.1313A>T on transcript NM_024675.4 (MANE Select); coding-DNA position 1313, A replaced by T.
Protein change: p.Lys438Ile; replaces lysine 438 with isoleucine.
Molecular consequence: missense variant. On other transcripts: intron variant (3).
Genome position (GRCh38, 1-based): chr16:23,635,233, T>A on the plus strand (A>T on the coding strand, the complement: PALB2 is on the minus strand). VCF-style: chr16-23635233-T-A. GRCh37 (hg19) VCF-style: chr16-23646554-T-A.
Other names: c.1253A>T, p.Lys418Ile (NM_001407296.1); c.1313A>T, p.Lys438Ile (NM_001407297.1, NM_001407298.1, NM_001407299.1 and 3 more transcripts); c.428A>T, p.Lys143Ile (NM_001407304.1, NM_001407305.1, NM_001407306.1 and 5 more transcripts); c.48+5877A>T (NM_001407314.1); c.-104-4764A>T (NM_001407313.1, NM_001407312.1); short protein forms K418I, K143I, K438I.
Identifiers: ClinVar variation 2751321 (VCV002751321.4), dbSNP rs2142419663, ClinGen allele CA395132382.

ClinVar aggregate classification (germline): Uncertain significance. Review status: criteria provided, multiple submitters, no conflicts (2 of 4 stars). 2 submissions from 2 submitters: Uncertain significance (2). Last evaluated 2024-07-29.

Conditions:
Hereditary cancer-predisposing syndrome. Also called: Neoplastic Syndromes, Hereditary; Hereditary Cancer Syndrome; Tumor predisposition; Hereditary neoplastic syndrome. Identifiers: Orphanet 140162, MedGen C0027672, MeSH D009386, MONDO:0015356.
Familial cancer of breast. Also called: BREAST CANCER, FAMILIAL; hereditary breast carcinoma; Hereditary breast cancer. Identifiers: Orphanet 227535, MedGen C0346153, MONDO:0016419, OMIM 114480. Disease mechanism: loss of function.

Submissions (2):

Color Diagnostics, LLC DBA Color Health
Classification: Uncertain significance for Hereditary cancer-predisposing syndrome. Last evaluated: 2024-07-29. Review status: criteria provided, single submitter. Criteria: ACMG Guidelines, 2015. Collection method: clinical testing. Allele origin: germline.
Comment: This missense variant replaces lysine with isoleucine at codon 438 of the PALB2 protein. Computational prediction suggests that this variant may not impact protein structure and function. To our knowledge, functional studies have not been reported for this variant. This variant has not been reported in individuals affected with PALB2-related disorders in the literature. This variant has not been identified in the general population by the Genome Aggregation Database (gnomAD). The available evidence is insufficient to determine the role of this variant in disease conclusively. Therefore, this variant is classified as a Variant of Uncertain Significance.

Labcorp Genetics (formerly Invitae), Labcorp
Classification: Uncertain significance for Familial cancer of breast. Last evaluated: 2023-08-09. Review status: criteria provided, single submitter. Criteria: Invitae Variant Classification Sherloc (09022015). Collection method: clinical testing. Allele origin: germline.
Comment: This sequence change replaces lysine, which is basic and polar, with isoleucine, which is neutral and non-polar, at codon 438 of the PALB2 protein (p.Lys438Ile). This variant is not present in population databases (gnomAD no frequency). This variant has not been reported in the literature in individuals affected with PALB2-related conditions. Advanced modeling of protein sequence and biophysical properties (such as structural, functional, and spatial information, amino acid conservation, physicochemical variation, residue mobility, and thermodynamic stability) performed at Invitae indicates that this missense variant is expected to disrupt PALB2 protein function. In summary, the available evidence is currently insufficient to determine the role of this variant in disease. Therefore, it has been classified as a Variant of Uncertain Significance.